The following is an entry in ClinVar:

NM_006214.4(PHYH):c.457del (p.Ala153fs)

Gene: PHYH (phytanoyl-CoA 2-hydroxylase; minus strand). Cytogenetic location: 10p13.
Variant type: Deletion.
Coding change: c.457del on transcript NM_006214.4 (MANE Select); coding-DNA position 457, one base deleted (G; older notation c.457delG).
Protein change: p.Ala153fs; shifts the reading frame from alanine 153.
Molecular consequence: frameshift variant. On other transcripts: intron variant (1).
Genome position (GRCh38, 1-based): chr10:13,291,870, C deleted on the plus strand (G on the coding strand, the reverse complement: PHYH is on the minus strand); the first of 2 consecutive C bases (chr10:13,291,870-13,291,871); deleting either gives the same sequence. VCF-style (leftmost placement, unchanged base first): chr10-13291869-GC-G. GRCh37 (hg19) VCF-style: chr10-13333869-GC-G.
Other names: c.157del, p.Ala53fs (NM_001037537.2, NM_001323080.2, NM_001323084.2); c.457del, p.Ala153fs (NM_001323082.2); c.414+2558del (NM_001323083.2); short protein forms A153fs, A53fs.
Identifiers: ClinVar variation 2136846 (VCV002136846.6), dbSNP rs2538650783, ClinGen allele CA2580081351.
Genomic context (GRCh38, chr10:13,291,869, plus strand): 5'-TTTTCTTCTCCCTTACAATTACCAGAATCTGGAGGTTTGTTTATCAACATTGTGTGCATG[GC>G]CATAATATTAGGTCCAGTGAAGCACTCCACATATTTCAGAATCTAAGAAAGCAAAAAAAA-3'

ClinVar aggregate classification (germline): Pathogenic. Review status: criteria provided, multiple submitters, no conflicts (2 of 4 stars). 3 submissions from 3 submitters: Pathogenic (3). Last evaluated 2024-05-14.

Conditions:
Refsum disease, classic. Also called: PHYH-Related Refsum Disease; HEREDOPATHIA ATACTICA POLYNEURITIFORMIS; HMSN IV; PHYTANIC ACID OXIDASE DEFICIENCY. Identifiers: Orphanet 773, MedGen C5780941, MONDO:1060256, OMIM 266500. Disease mechanism: loss of function.

Submissions (3):

Myriad Genetics, Inc.
Classification: Pathogenic for Refsum disease, classic. Last evaluated: 2024-05-14. Review status: criteria provided, single submitter. Criteria: Myriad Autosomal Dominant, Autosomal Recessive and X-Linked Classification Criteria (2023). Collection method: clinical testing. Allele origin: unknown.
Comment: NM_006214.3(PHYH):c.457delG(A153Pfs*6) is expected to be pathogenic in the context of Refsum disease, PHYH-related. This variant is predicted to lead to an abnormal or absent protein product due to the creation of a premature termination codon in PHYH, a gene where loss-of-function variants are known to be pathogenic. Please note: this variant was assessed in the context of healthy population screening.

Baylor Genetics
Classification: Pathogenic for Refsum disease, classic. Last evaluated: 2023-10-26. Review status: criteria provided, single submitter. Criteria: ACMG Guidelines, 2015. Collection method: clinical testing. Allele origin: unknown.

Labcorp Genetics (formerly Invitae), Labcorp
Classification: Pathogenic. Last evaluated: 2022-07-23. Review status: criteria provided, single submitter. Criteria: Invitae Variant Classification Sherloc (09022015). Collection method: clinical testing. Allele origin: germline.
Comment: This sequence change creates a premature translational stop signal (p.Ala153Profs*6) in the PHYH gene. It is expected to result in an absent or disrupted protein product. Loss-of-function variants in PHYH are known to be pathogenic (PMID: 9326940, 14974078). This variant is not present in population databases (gnomAD no frequency). This premature translational stop signal has been observed in individual(s) with Refsum disease (PMID: 14974078). Algorithms developed to predict the effect of sequence changes on RNA splicing suggest that this variant may disrupt the consensus splice site. For these reasons, this variant has been classified as Pathogenic.

Literature cited by the submitters: PubMed 9326940 (cited by Labcorp Genetics (formerly Invitae), Labcorp); PubMed 14974078 (cited by Labcorp Genetics (formerly Invitae), Labcorp).